The following is an entry in ClinVar:

NM_004370.6(COL12A1):c.8890C>T (p.Arg2964Trp)

Gene: COL12A1 (collagen type XII alpha 1 chain; minus strand). Cytogenetic location: 6q13.
Variant type: single nucleotide variant.
Coding change: c.8890C>T on transcript NM_004370.6 (MANE Select); coding-DNA position 8890, C replaced by T.
Protein change: p.Arg2964Trp; replaces arginine 2964 with tryptophan.
Molecular consequence: missense variant.
Genome position (GRCh38, 1-based): chr6:75,090,161, G>A on the plus strand (C>T on the coding strand, the complement: COL12A1 is on the minus strand). VCF-style: chr6-75090161-G-A. GRCh37 (hg19) VCF-style: chr6-75799877-G-A.
Other names: c.5398C>T, p.Arg1800Trp (NM_080645.3); short protein forms R1800W, R2964W.
Identifiers: ClinVar variation 1461081 (VCV001461081.6), dbSNP rs760317754, ClinGen allele CA3892088.

ClinVar aggregate classification (germline): Uncertain significance (1 of 4 stars; one submission).

Conditions:
Ullrich congenital muscular dystrophy 2 (UCMD2). Identifiers: Orphanet 75840, MedGen C4225314, MONDO:0014654, OMIM 616470.
Bethlem myopathy 2 (BTHLM2). Identifiers: Orphanet 536516, Orphanet 610, MedGen C4225313, MONDO:0034022, OMIM 616471.

Allele frequency attached by ClinVar (database versions not stated): gnomAD exomes below 0.00001; ExAC 0.00001; TOPMed 0.00001.
gnomAD v4.1: 6 of 1,613,876 alleles (0.00037%); highest among the groups gnomAD compares: Admixed American, 0.0017%; no homozygotes.

Submission:

Labcorp Genetics (formerly Invitae), Labcorp
Classification: Uncertain significance for Bethlem myopathy 2; Ullrich congenital muscular dystrophy 2. Last evaluated: 2024-06-05. Review status: criteria provided, single submitter. Criteria: Invitae Variant Classification Sherloc (09022015). Collection method: clinical testing. Allele origin: germline.
Comment: This sequence change replaces arginine, which is basic and polar, with tryptophan, which is neutral and slightly polar, at codon 2964 of the COL12A1 protein (p.Arg2964Trp). This variant is present in population databases (rs760317754, gnomAD 0.003%). This variant has not been reported in the literature in individuals affected with COL12A1-related conditions. ClinVar contains an entry for this variant (Variation ID: 1461081). An algorithm developed to predict the effect of missense changes on protein structure and function (PolyPhen-2) suggests that this variant is likely to be disruptive. In summary, the available evidence is currently insufficient to determine the role of this variant in disease. Therefore, it has been classified as a Variant of Uncertain Significance.